The following is an entry in ClinVar:

ClinVar aggregate classification (germline): Likely benign. Review status: criteria provided, multiple submitters, no conflicts (2 of 4 stars). 2 submissions from 2 submitters: Likely benign (2). Last evaluated 2024-12-04.

Conditions:
Charcot-Marie-Tooth disease, type I (CMT1). Also called: Charcot-Marie-Tooth, Type 1; Charcot-Marie-Tooth disease type 1. Identifiers: Orphanet 65753, MedGen C0751036, MONDO:0019011.

Allele frequency attached by ClinVar (database versions not stated): gnomAD 0.00001; gnomAD exomes 0.00001 and 0.00002; TOPMed 0.00001; ExAC 0.00002.
gnomAD v4.1: 16 of 1,614,022 alleles (0.00099%); highest among the groups gnomAD compares: Admixed American, 0.0083%; no homozygotes.

Submissions (2):

Labcorp Genetics (formerly Invitae), Labcorp
Classification: Likely benign for Charcot-Marie-Tooth disease, type I. Last evaluated: 2024-12-04. Review status: criteria provided, single submitter. Criteria: Invitae Variant Classification Sherloc (09022015). Collection method: clinical testing. Allele origin: germline.

GeneDx
Classification: Likely benign. Last evaluated: 2016-11-11. Review status: criteria provided, single submitter. Criteria: GeneDx Variant Classification (06012015). Collection method: clinical testing. Allele origin: germline. Affected: yes.
Comment: This variant is considered likely benign or benign based on one or more of the following criteria: it is a conservative change, it occurs at a poorly conserved position in the protein, it is predicted to be benign by multiple in silico algorithms, and/or has population frequency not consistent with disease.

NM_000530.8(MPZ):c.645+12T>C

Gene: MPZ (myelin protein zero; minus strand). Cytogenetic location: 1q23.3.
Variant type: single nucleotide variant.
Coding change: c.645+12T>C on transcript NM_000530.8 (MANE Select); 12 bases into the intron after coding-DNA position 645, T replaced by C.
Molecular consequence: intron variant.
Genome position (GRCh38, 1-based): chr1:161,306,096, A>G on the plus strand (T>C on the coding strand, the complement: MPZ is on the minus strand). VCF-style: chr1-161306096-A-G. GRCh37 (hg19) VCF-style: chr1-161275886-A-G.
Other names: c.645+12T>C (NM_001315491.2, LRG_256t1).
Identifiers: ClinVar variation 390997 (VCV000390997.4), dbSNP rs750848798, ClinGen allele CA1210096.